The following is an entry in ClinVar:

ClinVar aggregate classification (germline): Pathogenic. Review status: reviewed by expert panel (3 of 4 stars). 5 submissions from 5 submitters: Pathogenic (1). 4 of the submissions do not count toward it. Last evaluated 2016-09-08.

Conditions:
Hereditary breast ovarian cancer syndrome. Also called: Hereditary breast and ovarian cancer syndrome (HBOC); Breast and ovarian cancer; Hereditary breast and ovarian cancer syndrome; Hereditary breast and ovarian cancer; BRCA1- and BRCA2-Associated Hereditary Breast and Ovarian Cancer; Hereditary breast and/or ovarian cancer syndrome. Identifiers: Orphanet 145, MedGen C0677776, MeSH D061325, MONDO:0003582. Disease mechanism: loss of function.
Breast-ovarian cancer, familial, susceptibility to, 1 (BROVCA1). Also called: BRCA1 Hereditary Breast and Ovarian Cancer; OVARIAN CANCER, SUSCEPTIBILITY TO. Identifiers: Orphanet 145, MedGen C2676676, MONDO:0011450, OMIM 604370. Disease mechanism: loss of function.

Submissions (5):

Evidence-based Network for the Interpretation of Germline Mutant Alleles (ENIGMA)
Classification: Pathogenic for Breast-ovarian cancer, familial, susceptibility to, 1. Last evaluated: 2016-09-08. Review status: reviewed by expert panel. Criteria: ENIGMA BRCA1/2 Classification Criteria (2015). Collection method: curation. Allele origin: germline.
Comment: Variant allele predicted to encode a truncated non-functional protein.

Unidad Asesoramiento Genetico Oncologico Falp, Instituto Oncologico Fundacion Arturo Lopez Perez
Classification: Pathogenic for Breast-ovarian cancer, familial, susceptibility to, 1. Last evaluated: 2023-08-01. Review status: criteria provided, single submitter. Criteria: ACMG Guidelines, 2015. Collection method: clinical testing. Allele origin: unknown. Affected: yes. Not counted in ClinVar's aggregate classification.

Baylor Genetics
Classification: Pathogenic for Breast-ovarian cancer, familial, susceptibility to, 1. Last evaluated: 2023-05-08. Review status: criteria provided, single submitter. Criteria: ACMG Guidelines, 2015. Collection method: clinical testing. Allele origin: unknown. Not counted in ClinVar's aggregate classification.

Women's Health and Genetics/Laboratory Corporation of America, LabCorp
Classification: Likely pathogenic for Hereditary breast ovarian cancer syndrome. Last evaluated: 2021-10-08. Review status: criteria provided, single submitter. Criteria: LabCorp Variant Classification Summary - May 2015. Collection method: clinical testing. Allele origin: germline. Not counted in ClinVar's aggregate classification.
Comment: Variant summary: BRCA1 c.1044T>A (p.Cys348X) results in a premature termination codon, predicted to cause a truncation of the encoded protein or absence of the protein due to nonsense mediated decay, which are commonly known mechanisms for disease. Truncations downstream of this position have been classified as pathogenic by our laboratory. The variant was absent in 251198 control chromosomes (gnomAD). To our knowledge, no occurrence of c.1044T>A in individuals affected with Hereditary Breast And Ovarian Cancer Syndrome and no experimental evidence demonstrating its impact on protein function have been reported. One clinical diagnostic laboratory and one expert panel (ENIGMA) have submitted clinical-significance assessments for this variant to ClinVar after 2014 and classified the variant as pathogenic. Based on the evidence outlined above, the variant was classified as likely pathogenic.

Labcorp Genetics (formerly Invitae), Labcorp
Classification: Pathogenic for Hereditary breast ovarian cancer syndrome. Last evaluated: 2019-11-01. Review status: criteria provided, single submitter. Criteria: Invitae Variant Classification Sherloc (09022015). Collection method: clinical testing. Allele origin: germline. Not counted in ClinVar's aggregate classification.
Comment: For these reasons, this variant has been classified as Pathogenic. Loss-of-function variants in BRCA1 are known to be pathogenic (PMID: 20104584). This variant has been reported in individuals in the Leiden Open-source Variation Database (PMID: 21520333). ClinVar contains an entry for this variant (Variation ID: 254388). This variant is not present in population databases (ExAC no frequency). This sequence change creates a premature translational stop signal (p.Cys348*) in the BRCA1 gene. It is expected to result in an absent or disrupted protein product.

Literature cited by the submitters: PubMed 20104584 (cited by Labcorp Genetics (formerly Invitae), Labcorp); PubMed 21520333 (cited by Labcorp Genetics (formerly Invitae), Labcorp).

NM_007294.4(BRCA1):c.1044T>A (p.Cys348Ter)

Gene: BRCA1 (BRCA1 DNA repair associated; minus strand). Cytogenetic location: 17q21.31.
Variant type: single nucleotide variant.
Coding change: c.1044T>A on transcript NM_007294.4 (MANE Select); coding-DNA position 1044, T replaced by A.
Protein change: p.Cys348Ter; replaces cysteine 348 with a stop codon.
Molecular consequence: nonsense. On other transcripts: intron variant (137).
Genome position (GRCh38, 1-based): chr17:43,094,487, A>T on the plus strand (T>A on the coding strand, the complement: BRCA1 is on the minus strand). VCF-style: chr17-43094487-A-T. GRCh37 (hg19) VCF-style: chr17-41246504-A-T.
Other names: c.454+257T>A (NM_001408502.1); c.577+257T>A (NM_001408489.1, NM_001408479.1, NM_001408482.1 and 9 more transcripts); c.661+257T>A (NM_001408445.1, NM_001408432.1, NM_001408450.1 and 6 more transcripts); c.667+1359T>A (NM_001408431.1, NM_001408424.1, NM_001408421.1); c.784+257T>A (NM_001408407.1, NM_001408402.1, NM_001408473.1 and 13 more transcripts); c.664+257T>A (NM_001408443.1, NM_001408439.1, NM_001408425.1 and 12 more transcripts); c.670+1359T>A (NM_001408419.1, NM_001408422.1, NM_001408418.1 and 2 more transcripts); c.787+257T>A (NM_001408403.1, NM_001407983.1, NM_001407975.1 and 19 more transcripts); and 40 more; short protein forms C348*, C301*, C259*, C280*, C321*, C347*, C237*, C260*.
Identifiers: ClinVar variation 254388 (VCV000254388.16), dbSNP rs886037985, ClinGen allele CA10586660.
Genomic context (GRCh38, chr17:43,094,487, plus strand): 5'-TTCAGTATCTCTAGGATTCTCTGAGCATGGCAGTTTCTGCTTATTCCATTCTTTTCTCTC[A>T]CACAGGGGATCAGCATTCAGATCTACCTTTTTTTCTGTGCTGGGAGTCCGCCTATCATTA-3'